The following is an entry in ClinVar:

NM_004006.3(DMD):c.6614+3310G>T

Gene: DMD (dystrophin; minus strand). Cytogenetic location: Xp21.1.
Variant type: single nucleotide variant.
Coding change: c.6614+3310G>T on transcript NM_004006.3 (MANE Select); 3310 bases into the intron after coding-DNA position 6614, G replaced by T.
Molecular consequence: intron variant.
Genome position (GRCh38, 1-based): chrX:31,965,029, C>A on the plus strand (G>T on the coding strand, the complement: DMD is on the minus strand). VCF-style: chrX-31965029-C-A. GRCh37 (hg19) VCF-style: chrX-31983146-C-A.
Other names: c.6590+3310G>T (NM_000109.4); c.2591+3310G>T (NM_004011.4); c.2582+3310G>T (NM_004012.4); c.-767+3310G>T (NM_004023.3, NM_004020.4, NM_004022.3 and 2 more transcripts); c.6602+3310G>T (NM_004009.3); c.6245+3310G>T (NM_004010.3).
Identifiers: ClinVar variation 210853 (VCV000210853.21), dbSNP rs797045526, ClinGen allele CA347360.

ClinVar aggregate classification (germline): Likely pathogenic. Review status: criteria provided, multiple submitters, no conflicts (2 of 4 stars). 5 submissions from 5 submitters: Likely pathogenic (5). Last evaluated 2024-06-14.

Conditions:
Duchenne muscular dystrophy (DMD). Also called: MUSCULAR DYSTROPHY, PSEUDOHYPERTROPHIC PROGRESSIVE, DUCHENNE TYPE; Duchenne Muscular Dystrophy (DMD). Identifiers: Orphanet 98896, MedGen C0013264, MONDO:0010679, OMIM 310200.
Becker muscular dystrophy (BMD). Also called: Becker Muscular Dystrophy (BMD); MUSCULAR DYSTROPHY, PSEUDOHYPERTROPHIC PROGRESSIVE, BECKER TYPE. Identifiers: Orphanet 98895, MedGen C0917713, MONDO:0010311, OMIM 300376.
Dilated cardiomyopathy 3B (CMD3B). Also called: CMD3B: DMD-Related Dilated Cardiomyopathy; CARDIOMYOPATHY, DILATED, X-LINKED; DMD-Associated Dilated Cardiomyopathy. Identifiers: Orphanet 154, MedGen C3668940, MONDO:0010542, OMIM 302045.
Neuromuscular disease caused by qualitative or quantitative defects of dystrophin. Also called: Qualitative or quantitative defects of dystrophin. Identifiers: Orphanet 207085, MedGen C5679787, MONDO:0016147.

Submissions (5):

Fulgent Genetics
Classification: Likely pathogenic for Becker muscular dystrophy; Dilated cardiomyopathy 3B; Duchenne muscular dystrophy. Last evaluated: 2024-06-14. Review status: criteria provided, single submitter. Criteria: ACMG Guidelines, 2015. Collection method: clinical testing. Allele origin: germline.

Women's Health and Genetics/Laboratory Corporation of America, LabCorp
Classification: Likely pathogenic for Neuromuscular disease caused by qualitative or quantitative defects of dystrophin. Last evaluated: 2024-06-13. Review status: criteria provided, single submitter. Criteria: LabCorp Variant Classification Summary - May 2015. Collection method: clinical testing. Allele origin: germline.
Comment: Variant summary: DMD c.6614+3310G>T is located at a position not widely known to affect splicing. Several computational tools predict a significant impact on normal splicing: Three predict the variant creates a cryptic 5' donor site. At least one publication reports experimental evidence that this variant affects mRNA splicing (Gurvich_2008). The frequency of this variant in the general population could not be determined as the technology used for large population databases (ExAC, gnomAD, ESP, 1000G) cannot detect variants of this type. c.6614+3310G>T has been reported in the literature in individuals affected with Muscular dystrophy, Duchenne (DMD) (example: Gurvich_2008). The following publication has been ascertained in the context of this evaluation (PMID: 18059005). ClinVar contains an entry for this variant (Variation ID: 210853). Based on the evidence outlined above, the variant was classified as likely pathogenic.

Labcorp Genetics (formerly Invitae), Labcorp
Classification: Likely pathogenic for Duchenne muscular dystrophy. Last evaluated: 2021-08-12. Review status: criteria provided, single submitter. Criteria: Invitae Variant Classification Sherloc (09022015). Collection method: clinical testing. Allele origin: germline.
Comment: Studies have shown that this variant results in altered splicing, which introduces a premature termination codon (PMID: 18059005). The resulting mRNA is expected to undergo nonsense-mediated decay. In summary, the currently available evidence indicates that the variant is pathogenic, but additional data are needed to prove that conclusively. Therefore, this variant has been classified as Likely Pathogenic. ClinVar contains an entry for this variant (Variation ID: 210853). This variant has been observed in individual(s) with Duchenne muscular dystrophy (PMID: 18059005). The frequency data for this variant in the population databases is considered unreliable, as metrics indicate insufficient coverage at this position in the ExAC database. This sequence change falls in intron 45 of the DMD gene. It does not directly change the encoded amino acid sequence of the DMD protein. RNA analysis indicates that this variant induces altered splicing and may result in an absent or disrupted protein product.

Eurofins Ntd Llc (ga)
Classification: Likely pathogenic. Last evaluated: 2017-10-04. Review status: criteria provided, single submitter. Criteria: EGL Classification Definitions 2015. Collection method: clinical testing. Allele origin: germline. Observed: 1 variant allele, 1 hemizygote.

Genetic Services Laboratory, University of Chicago
Classification: Likely pathogenic for Duchenne muscular dystrophy. Last evaluated: 2014-10-08. Review status: criteria provided, single submitter. Criteria: ACMG Guidelines, 2015. Collection method: clinical testing. Allele origin: germline. Affected: yes.

Literature cited by the submitters: PubMed 18059005 (cited by Women's Health and Genetics/Laboratory Corporation of America, LabCorp and Labcorp Genetics (formerly Invitae), Labcorp).